The following is an entry in ClinVar:

ClinVar aggregate classification (germline): Conflicting classifications of pathogenicity. Review status: criteria provided, conflicting classifications (1 of 4 stars). 5 submissions from 5 submitters: Uncertain significance (3); Likely benign (2). Last evaluated 2026-03-17.

Conditions:
Cardiovascular phenotype. Identifiers: MedGen CN230736.
Alstrom syndrome (ALMS). Identifiers: Orphanet 64, MedGen C0268425, MONDO:0008763, OMIM 203800.

Allele frequency attached by ClinVar (database versions not stated): ESP Exome Variant Server 0.00017; TOPMed 0.00021; gnomAD 0.00022 and 0.00027; ExAC 0.00033; 1000 Genomes Project 0.00040; 1000 Genomes Project 30x 0.00047.
gnomAD v4.1: 263 of 1,610,288 alleles (0.016%); highest among the groups gnomAD compares: South Asian, 0.19%; 7 homozygotes.

Submissions (5):

Women's Health and Genetics/Laboratory Corporation of America, LabCorp
Classification: Uncertain significance. Last evaluated: 2026-03-17. Review status: criteria provided, single submitter. Criteria: LabCorp Variant Classification Summary - May 2015. Collection method: clinical testing. Allele origin: germline.
Comment: Variant summary: ALMS1 c.4540G>A (p.Ala1514Thr) results in a non-conservative amino acid change in the encoded protein sequence. Algorithms developed to predict the effect of missense changes on protein structure and function are either unavailable or do not agree on the potential impact of this missense change. The variant allele was found at a frequency of 0.00027 in 249102 control chromosomes in the gnomAD database, including 1 homozygotes. This frequency is not significantly higher than estimated for disease-causing variants in ALMS1, allowing no conclusion about variant significance. To our knowledge, no occurrence of c.4540G>A in individuals affected with ALMS1-related conditions and no experimental evidence demonstrating its impact on protein function have been reported. ClinVar contains an entry for this variant (Variation ID: 643741). Based on the evidence outlined above, the variant was classified as uncertain significance.

GeneDx
Classification: Uncertain significance. Last evaluated: 2025-09-10. Review status: criteria provided, single submitter. Criteria: GeneDx Variant Classification Process June 2021. Collection method: clinical testing. Allele origin: germline. Affected: yes.
Comment: Reported in an individual with retinitis pigmentosa, reported as c.4540 G>A p.(A1514T) using alternate nomenclature (PMID: 26496393); In silico analysis suggests that this missense variant does not alter protein structure/function; This variant is associated with the following publications: (PMID: 26496393)

Blueprint Genetics
Classification: Likely benign. Last evaluated: 2023-11-23. Review status: criteria provided, single submitter. Criteria: ACMG Guidelines, 2015. Collection method: clinical testing. Allele origin: germline.

Labcorp Genetics (formerly Invitae), Labcorp
Classification: Uncertain significance for Alstrom syndrome. Last evaluated: 2022-08-20. Review status: criteria provided, single submitter. Criteria: Invitae Variant Classification Sherloc (09022015). Collection method: clinical testing. Allele origin: germline.
Comment: This sequence change replaces alanine, which is neutral and non-polar, with threonine, which is neutral and polar, at codon 1516 of the ALMS1 protein (p.Ala1516Thr). This variant is present in population databases (rs183839621, gnomAD 0.2%), including at least one homozygous and/or hemizygous individual. This variant has not been reported in the literature in individuals affected with ALMS1-related conditions. ClinVar contains an entry for this variant (Variation ID: 643741). In summary, the available evidence is currently insufficient to determine the role of this variant in disease. Therefore, it has been classified as a Variant of Uncertain Significance.

Ambry Genetics
Classification: Likely benign for Cardiovascular phenotype. Last evaluated: 2022-05-27. Review status: criteria provided, single submitter. Criteria: Ambry Variant Classification Scheme 2023. Collection method: clinical testing. Allele origin: germline.

NM_001378454.1(ALMS1):c.4543G>A (p.Ala1515Thr)

Gene: ALMS1 (ALMS1 centrosome and basal body associated protein; plus strand). Cytogenetic location: 2p13.1.
Variant type: single nucleotide variant.
Coding change: c.4543G>A on transcript NM_001378454.1 (MANE Select); coding-DNA position 4543, G replaced by A.
Protein change: p.Ala1515Thr; replaces alanine 1515 with threonine.
Molecular consequence: missense variant.
Genome position (GRCh38, 1-based): chr2:73,451,070, G>A. VCF-style: chr2-73451070-G-A. GRCh37 (hg19) VCF-style: chr2-73678197-G-A.
Other names: c.4546G>A, p.Ala1516Thr (NM_015120.4); short protein forms A1516T, A1515T.
Identifiers: ClinVar variation 643741 (VCV000643741.12), dbSNP rs183839621, ClinGen allele CA1713723.